The following is an entry in ClinVar:

NM_017617.5(NOTCH1):c.1597G>A (p.Ala533Thr)

Gene: NOTCH1 (notch receptor 1; minus strand). Cytogenetic location: 9q34.3.
Variant type: single nucleotide variant.
Coding change: c.1597G>A on transcript NM_017617.5 (MANE Select); coding-DNA position 1597, G replaced by A.
Protein change: p.Ala533Thr; replaces alanine 533 with threonine.
Molecular consequence: missense variant.
Genome position (GRCh38, 1-based): chr9:136,516,053, C>T on the plus strand (G>A on the coding strand, the complement: NOTCH1 is on the minus strand). VCF-style: chr9-136516053-C-T. GRCh37 (hg19) VCF-style: chr9-139410505-C-T.
Other names: short protein forms A533T.
Identifiers: ClinVar variation 5001720 (VCV005001720.1).

ClinVar aggregate classification (germline): Uncertain significance (1 of 4 stars; one submission).

Conditions:
NOTCH1-related disorder. Also called: NOTCH1-related disorders; NOTCH1-related condition.

gnomAD v4.1: 2 of 1,612,164 alleles (0.00012%); highest among the groups gnomAD compares: Non-Finnish European, 0.000085%; no homozygotes.

Submission:

PreventionGenetics, part of Exact Sciences
Classification: Uncertain significance for NOTCH1-related condition. Last evaluated: 2025-05-26. Review status: criteria provided, single submitter. Criteria: ACMG Guidelines, 2015. Collection method: clinical testing. Allele origin: germline.
Comment: The NOTCH1 c.1597G>A variant is predicted to result in the amino acid substitution p.Ala533Thr. To our knowledge, this variant has not been reported in the literature or in a large population database (gnomAD), indicating this variant is rare. At this time, the clinical significance of this variant is uncertain due to the absence of conclusive functional and genetic evidence.